The following is an entry in ClinVar:

ClinVar aggregate classification (germline): Likely pathogenic. Review status: reviewed by expert panel (3 of 4 stars). 5 submissions from 5 submitters: Likely pathogenic (1). 4 of the submissions do not count toward it. Last evaluated 2024-11-12.

Conditions:
ENG-related disorder. Also called: ENG-related condition; ENG-related disorders.
Cardiovascular phenotype. Identifiers: MedGen CN230736.
Hereditary hemorrhagic telangiectasia (HHT). Also called: Osler hemorrhagic telangiectasia syndrome; ORW DISEASE; Osler Weber Rendu syndrome; OSLER-RENDU-WEBER DISEASE. Identifiers: Orphanet 774, MedGen C0039445, MONDO:0019180. Disease mechanism: loss of function.
Telangiectasia, hereditary hemorrhagic, type 1 (HHT1). Also called: Osler Weber Rendu syndrome type 1; ENG-Related Hereditary Hemorrhagic Telangiectasia. Identifiers: Orphanet 774, MedGen C4551861, MONDO:0008535, OMIM 187300. Disease mechanism: loss of function.

Submissions (5):

ClinGen Hereditary Hemorrhagic Telangiectasia Variant Curation Expert Panel, ClinGen
Classification: Likely pathogenic for Telangiectasia, hereditary hemorrhagic, type 1. Last evaluated: 2024-11-12. Review status: reviewed by expert panel. Criteria: ClinGen HHT ACMG Specifications ENG V1.1.0. Collection method: curation. Allele origin: germline. Inheritance: Autosomal dominant inheritance.
Comment: The NM_001114753.3: c.1807G>A variant in ENG is a missense variant predicted to cause substitution of glycine by arginine at amino acid 603 (p.Gly603Arg). This variant has been reported in 4 probands with a phenotype consistent with Hereditary Hemorrhagic Telangiectasia (PS4, Internal lab contributors, PMID: 20414677). This variant is absent from gnomAD v.2.1.1 (PM2_Supporting). The computational predictor REVEL gives a score of 0.876 which is above the threshold of 0.644, evidence that correlates with impact to ENG function (PP3). In summary, this variant meets the criteria to be classified as likely pathogenic for autosomal dominant hereditary hemorrhagic telangiectasia based on the ACMG/AMP criteria applied, as specified by the ClinGen Hereditary Hemorrhagic Telangiectasia Variant Curation Expert Panel: PS4, PM2_Supporting, PP3 (specifications version 1.1.0; 11/12/2024).

Labcorp Genetics (formerly Invitae), Labcorp
Classification: Likely pathogenic for Hereditary hemorrhagic telangiectasia. Last evaluated: 2025-08-11. Review status: criteria provided, single submitter. Criteria: Invitae Variant Classification Sherloc (09022015). Collection method: clinical testing. Allele origin: germline. Not counted in ClinVar's aggregate classification.
Comment: This sequence change replaces glycine, which is neutral and non-polar, with arginine, which is basic and polar, at codon 603 of the ENG protein (p.Gly603Arg). This variant is not present in population databases (gnomAD no frequency). This missense change has been observed in individual(s) with hereditary hemorrhagic telangiectasia (PMID: 20414677). ClinVar contains an entry for this variant (Variation ID: 995600). Invitae Evidence Modeling of protein sequence and biophysical properties (such as structural, functional, and spatial information, amino acid conservation, physicochemical variation, residue mobility, and thermodynamic stability) indicates that this missense variant is expected to disrupt ENG protein function with a positive predictive value of 95%. In summary, the currently available evidence indicates that the variant is pathogenic, but additional data are needed to prove that conclusively. Therefore, this variant has been classified as Likely Pathogenic.

Blueprint Genetics
Classification: Likely pathogenic for ENG-related disorders. Last evaluated: 2022-02-09. Review status: criteria provided, single submitter. Criteria: ACMG Guidelines, 2015. Collection method: clinical testing. Allele origin: germline. Affected: yes. Observed: 1 variant allele. Not counted in ClinVar's aggregate classification.

ARUP Laboratories, Molecular Genetics and Genomics, ARUP Laboratories
Classification: Uncertain significance for Telangiectasia, hereditary hemorrhagic, type 1. Last evaluated: 2019-10-17. Review status: criteria provided, single submitter. Criteria: ARUP Molecular Germline Variant Investigation Process. Collection method: clinical testing. Allele origin: germline. Not counted in ClinVar's aggregate classification.
Comment: The ENG c.1807G>A; p.Gly603Arg variant is reported in the literature in an individual with HHT (Richards-Yutz 2010). This variant is absent from general population databases (Exome Variant Server, Genome Aggregation Database), indicating it is not a common polymorphism. The glycine at codon 603 is highly conserved and computational analyses (SIFT, PolyPhen-2) predict that this variant is deleterious. This variant is predicted to create a cryptic splice acceptor site, which may alter splicing (Alamut v.2.11). Due to the limited information, the clinical significance of this variant is uncertain at this time. REFERENCES Richards-Yutz J et al. Update on molecular diagnosis of hereditary hemorrhagic telangiectasia. Hum Genet. 2010 Jul;128(1):61-77.

Ambry Genetics
Classification: Uncertain significance for Cardiovascular phenotype. Last evaluated: 2019-08-29. Review status: criteria provided, single submitter. Criteria: Ambry Variant Classification Scheme 2023. Collection method: clinical testing. Allele origin: germline. Not counted in ClinVar's aggregate classification.
Comment: The p.G603R variant (also known as c.1807G>A), located in coding exon 14 of the ENG gene, results from a G to A substitution at nucleotide position 1807. The glycine at codon 603 is replaced by arginine, an amino acid with dissimilar properties. This variant was identified in an individual with epistaxis, telangiectasias, and a family history (Richards-Yutz J et al. Hum. Genet., 2010 Jul;128:61-77). This amino acid position is highly conserved in available vertebrate species. In addition, this alteration is predicted to be deleterious by in silico analysis. Based on available evidence to date, the clinical significance of this alteration remains unclear.

Literature cited by the submitters: PubMed 20414677 (cited by Labcorp Genetics (formerly Invitae), Labcorp and Ambry Genetics).

NM_001114753.3(ENG):c.1807G>A (p.Gly603Arg)

Gene: ENG (endoglin; minus strand). Cytogenetic location: 9q34.11.
Variant type: single nucleotide variant.
Coding change: c.1807G>A on transcript NM_001114753.3 (MANE Select); coding-DNA position 1807, G replaced by A.
Protein change: p.Gly603Arg; replaces glycine 603 with arginine.
Molecular consequence: missense variant.
Genome position (GRCh38, 1-based): chr9:127,815,988, C>T on the plus strand (G>A on the coding strand, the complement: ENG is on the minus strand). VCF-style: chr9-127815988-C-T. GRCh37 (hg19) VCF-style: chr9-130578267-C-T.
Other names: NM_001114753.3(ENG):c.1807G>A; p.Gly603Arg; c.1807G>A, p.Gly603Arg (NM_000118.4); c.1261G>A, p.Gly421Arg (NM_001278138.2); short protein forms G421R, G603R.
Identifiers: ClinVar variation 995600 (VCV000995600.14), dbSNP rs1830302008, ClinGen allele CA374971982.